The following is an entry in ClinVar:

ClinVar aggregate classification (germline): Uncertain significance (1 of 4 stars; one submission).

Conditions:
Hereditary spastic paraplegia 74. Also called: Spastic paraplegia 74, autosomal recessive. Identifiers: Orphanet 468661, MedGen C5568837, MONDO:0014644, OMIM 616451.
Multiple mitochondrial dysfunctions syndrome 3 (MMDS3). Identifiers: Orphanet 363424, MedGen C3809165, MONDO:0014132, OMIM 615330.

gnomAD v4.1: 3 of 1,536,806 alleles (0.0002%); highest among the groups gnomAD compares: Admixed American, 0.0061%; no homozygotes.

Submission:

Labcorp Genetics (formerly Invitae), Labcorp
Classification: Uncertain significance for Multiple mitochondrial dysfunctions syndrome 3; Hereditary spastic paraplegia 74. Last evaluated: 2021-10-20. Review status: criteria provided, single submitter. Criteria: Invitae Variant Classification Sherloc (09022015). Collection method: clinical testing. Allele origin: germline.
Comment: The frequency data for this variant in the population databases is considered unreliable, as metrics indicate insufficient coverage at this position in the ExAC database. This variant has not been reported in the literature in individuals affected with IBA57-related conditions. In summary, the available evidence is currently insufficient to determine the role of this variant in disease. Therefore, it has been classified as a Variant of Uncertain Significance. Algorithms developed to predict the effect of missense changes on protein structure and function (SIFT, PolyPhen-2, Align-GVGD) all suggest that this variant is likely to be tolerated. This sequence change replaces valine with alanine at codon 102 of the IBA57 protein (p.Val102Ala). The valine residue is moderately conserved and there is a small physicochemical difference between valine and alanine.

NM_001010867.4(IBA57):c.305T>C (p.Val102Ala)

Gene: IBA57 (iron-sulfur cluster assembly factor IBA57; plus strand). Cytogenetic location: 1q42.13.
Variant type: single nucleotide variant.
Coding change: c.305T>C on transcript NM_001010867.4 (MANE Select); coding-DNA position 305, T replaced by C.
Protein change: p.Val102Ala; replaces valine 102 with alanine.
Molecular consequence: missense variant.
Genome position (GRCh38, 1-based): chr1:228,166,121, T>C. VCF-style: chr1-228166121-T-C. GRCh37 (hg19) VCF-style: chr1-228353822-T-C.
Other names: short protein forms V102A.
Identifiers: ClinVar variation 1394488 (VCV001394488.6), dbSNP rs759005478, ClinGen allele CA345106623.
Genomic context (GRCh38, chr1:228,166,121, plus strand): 5'-GTCCTGCGGCCGCGGGGGCCCCGCCTGCTGCGCGCGCGGGCTACGCCCACTTCCTGAACG[T>C]GCAGGGCCGGACGCTCTATGACGTCATCTTGTACGGGTGAGCGCGTGCTGGGAGGGCGCT-3'
Protein context (NP_001010867.1, residues 92-112): ARAGYAHFLN[Val102Ala]QGRTLYDVIL